The following is an entry in ClinVar:

NM_000222.3(KIT):c.1232-12G>A

Gene: KIT (KIT proto-oncogene, receptor tyrosine kinase; plus strand). Cytogenetic location: 4q12.
Variant type: single nucleotide variant.
Coding change: c.1232-12G>A on transcript NM_000222.3 (MANE Select); 12 bases into the intron before coding-DNA position 1232, G replaced by A.
Molecular consequence: intron variant.
Genome position (GRCh38, 1-based): chr4:54,723,572, G>A. VCF-style: chr4-54723572-G-A. GRCh37 (hg19) VCF-style: chr4-55589738-G-A.
Other names: c.1235-12G>A (NM_001385284.1, NM_001385290.1, NM_001385288.1 and 1 more transcripts); c.1232-12G>A (NM_001385285.1, NM_001093772.2, NM_001385286.1).
Identifiers: ClinVar variation 1637221 (VCV001637221.9), dbSNP rs1722023222, ClinGen allele CA2573137841.
Genomic context (GRCh38, chr4:54,723,572, plus strand): 5'-GAGAGGGAGTGAAGTGAATGTTGCTGAGGTTTTCCAGCACTCTGACATATGGCCATTTCT[G>A]TTTTCCTGTAGCAAAACCAGAAATCCTGACTTACGACAGGCTCGTGAATGGCATGCTCCA-3'

ClinVar aggregate classification (germline): Likely benign. Review status: criteria provided, multiple submitters, no conflicts (2 of 4 stars). 2 submissions from 2 submitters: Likely benign (2). Last evaluated 2026-05-27.

Conditions:
Gastrointestinal stromal tumor. Also called: Gastrointestinal stromal tumor, somatic; Gastrointestinal stroma tumor. Identifiers: Orphanet 44890, MedGen C0238198, MeSH D046152, MONDO:0011719, OMIM 606764, HP:0100723.

gnomAD v4.1: 15 of 1,592,428 alleles (0.00094%); highest among the groups gnomAD compares: Non-Finnish European, 0.0013%; no homozygotes.

Submissions (2):

Myriad Genetics, Inc.
Classification: Likely benign for Gastrointestinal stromal tumor. Last evaluated: 2026-05-27. Review status: criteria provided, single submitter. Criteria: Myriad Autosomal Dominant, Autosomal Recessive and X-Linked Classification Criteria (2023). Collection method: clinical testing. Allele origin: unknown.
Comment: This variant is considered likely benign. This variant is intronic and is not expected to impact mRNA splicing.

Labcorp Genetics (formerly Invitae), Labcorp
Classification: Likely benign for Gastrointestinal stromal tumor. Last evaluated: 2023-08-07. Review status: criteria provided, single submitter. Criteria: Invitae Variant Classification Sherloc (09022015). Collection method: clinical testing. Allele origin: germline.